The following is an entry in ClinVar:

NM_000057.4(BLM):c.731C>T (p.Ala244Val)

Gene: BLM (BLM RecQ like helicase; plus strand). Cytogenetic location: 15q26.1.
Variant type: single nucleotide variant.
Coding change: c.731C>T on transcript NM_000057.4 (MANE Select); coding-DNA position 731, C replaced by T.
Protein change: p.Ala244Val; replaces alanine 244 with valine.
Molecular consequence: missense variant. On other transcripts: 5 prime UTR variant (1).
Genome position (GRCh38, 1-based): chr15:90,749,999, C>T. VCF-style: chr15-90749999-C-T. GRCh37 (hg19) VCF-style: chr15-91293229-C-T.
Other names: c.731C>T, p.Ala244Val (NM_001287246.2, NM_001287247.2); c.-561C>T (NM_001287248.2); short protein forms A244V.
Identifiers: ClinVar variation 1993933 (VCV001993933.6), dbSNP rs771809777, ClinGen allele CA7738341.

ClinVar aggregate classification (germline): Uncertain significance. Review status: criteria provided, multiple submitters, no conflicts (2 of 4 stars). 2 submissions from 2 submitters: Uncertain significance (2). Last evaluated 2026-05-16.

Conditions:
Hereditary cancer-predisposing syndrome. Also called: Neoplastic Syndromes, Hereditary; Tumor predisposition; Hereditary Cancer Syndrome; Hereditary neoplastic syndrome. Identifiers: Orphanet 140162, MedGen C0027672, MeSH D009386, MONDO:0015356.
Bloom syndrome (BLM). Also called: Bloom-Torre-Machacek syndrome. Identifiers: Orphanet 125, MedGen C0005859, MONDO:0008876, OMIM 210900.

Allele frequency attached by ClinVar (database versions not stated): ExAC 0.00001.

Submissions (2):

Ambry Genetics
Classification: Uncertain significance for Hereditary cancer-predisposing syndrome. Last evaluated: 2026-05-16. Review status: criteria provided, single submitter. Criteria: Ambry Variant Classification Scheme 2023. Collection method: clinical testing. Allele origin: germline.
Comment: The p.A244V variant (also known as c.731C>T), located in coding exon 2 of the BLM gene, results from a C to T substitution at nucleotide position 731. The alanine at codon 244 is replaced by valine, an amino acid with similar properties. This amino acid position is conserved. In addition, this alteration is predicted to be tolerated by in silico analysis. Based on the available evidence, the clinical significance of this variant remains unclear.

Labcorp Genetics (formerly Invitae), Labcorp
Classification: Uncertain significance for Bloom syndrome. Last evaluated: 2025-08-18. Review status: criteria provided, single submitter. Criteria: Invitae Variant Classification Sherloc (09022015). Collection method: clinical testing. Allele origin: germline.
Comment: This sequence change replaces alanine, which is neutral and non-polar, with valine, which is neutral and non-polar, at codon 244 of the BLM protein (p.Ala244Val). This variant is present in population databases (rs771809777, gnomAD 0.007%). This variant has not been reported in the literature in individuals affected with BLM-related conditions. ClinVar contains an entry for this variant (Variation ID: 1993933). An algorithm developed to predict the effect of missense changes on protein structure and function (PolyPhen-2) suggests that this variant is likely to be tolerated. In summary, the available evidence is currently insufficient to determine the role of this variant in disease. Therefore, it has been classified as a Variant of Uncertain Significance.